The following is an entry in ClinVar:

ClinVar aggregate classification (germline): Uncertain significance (1 of 4 stars; one submission).

Submission:

Labcorp Genetics (formerly Invitae), Labcorp
Classification: Uncertain significance. Last evaluated: 2021-01-04. Review status: criteria provided, single submitter. Criteria: Invitae Variant Classification Sherloc (09022015). Collection method: clinical testing. Allele origin: germline.
Comment: In summary, the available evidence is currently insufficient to determine the role of this variant in disease. Therefore, it has been classified as a Variant of Uncertain Significance. Experimental studies and prediction algorithms are not available or were not evaluated, and the functional significance of this variant is currently unknown. This variant has not been reported in the literature in individuals with LYN-related conditions. This variant is not present in population databases (ExAC no frequency). This sequence change creates a premature translational stop signal (p.Tyr460Leufs*12) in the LYN gene. While this is not anticipated to result in nonsense mediated decay, it is expected to disrupt the last 53 amino acid(s) of the LYN protein.

NM_002350.4(LYN):c.1378dup (p.Tyr460fs)

Gene: LYN (LYN proto-oncogene, Src family tyrosine kinase; plus strand). Cytogenetic location: 8q12.1.
Variant type: Duplication.
Coding change: c.1378dup on transcript NM_002350.4 (MANE Select); coding-DNA position 1378, one base duplicated (T; older notation c.1378dupT).
Protein change: p.Tyr460fs; shifts the reading frame from tyrosine 460.
Molecular consequence: frameshift variant.
Genome position (GRCh38, 1-based): chr8:56,009,949, T duplicated. VCF-style (leftmost placement, unchanged base first): chr8-56009948-C-CT. GRCh37 (hg19) VCF-style: chr8-56922507-C-CT.
Other names: c.1315dup, p.Tyr439fs (NM_001111097.3); short protein forms Y460fs, Y439fs.
Identifiers: ClinVar variation 1485390 (VCV001485390.6), dbSNP rs2130604421, ClinGen allele CA2573143182.